The following is an entry in ClinVar:

NM_000038.6(APC):c.531+221A>G

Gene: APC (APC regulator of WNT signaling pathway; plus strand). Cytogenetic location: 5q22.2.
Variant type: single nucleotide variant.
Coding change: c.531+221A>G on transcript NM_000038.6 (MANE Select); 221 bases into the intron after coding-DNA position 531, A replaced by G.
Molecular consequence: intron variant.
Genome position (GRCh38, 1-based): chr5:112,775,958, A>G. VCF-style: chr5-112775958-A-G. GRCh37 (hg19) VCF-style: chr5-112111655-A-G.
Other names: c.531+221A>G (NM_001354895.2, NM_001127510.3, NM_001354896.2 and 2 more transcripts); c.561+221A>G (NM_001354897.2, NM_001354902.2, NM_001127511.3); c.456+221A>G (NM_001354898.2, NM_001354904.2); c.-505+221A>G (NM_001354906.2); c.354+221A>G (NM_001354900.2, NM_001354901.2, NM_001354905.2).
Identifiers: ClinVar variation 677820 (VCV000677820.1), dbSNP rs73791479, ClinGen allele CA124932368.
Genomic context (GRCh38, chr5:112,775,958, plus strand): 5'-ATTTTTGTTGGTAAAGATGATAAAACTTTATTGTGCTCAAATGTTTTATTTAAAGCTCTT[A>G]TTTAGAAAATCTATAAAGTTTGAATTCTAGAGGACCTCAGGGTTCAACTAGGCAACTAGT-3'

ClinVar aggregate classification (germline): Likely benign (1 of 4 stars; one submission).

Allele frequency attached by ClinVar (database versions not stated): gnomAD 0.00802 and 0.00856; TOPMed 0.00910; 1000 Genomes Project 0.00978; 1000 Genomes Project 30x 0.01031.
gnomAD v4.1: 1,213 of 152,302 alleles (0.8%); highest among the groups gnomAD compares: African/African-American, 2.7%; 15 homozygotes.

Submission:

GeneDx
Classification: Likely benign. Last evaluated: 2018-06-18. Review status: criteria provided, single submitter. Criteria: GeneDx Variant Classification (06012015). Collection method: clinical testing. Allele origin: germline. Affected: yes.
Comment: This variant is considered likely benign or benign based on one or more of the following criteria: it is a conservative change, it occurs at a poorly conserved position in the protein, it is predicted to be benign by multiple in silico algorithms, and/or has population frequency not consistent with disease.